The following is an entry in ClinVar:

ClinVar aggregate classification (germline): Likely pathogenic (1 of 4 stars; one submission).

Conditions:
Piebaldism. Also called: Piebald skin depigmentation. Identifiers: Orphanet 2884, MedGen C0080024, MONDO:0008244, OMIM 172800, HP:0007544.

Submission:

Clinical Genetics Laboratory, Skane University Hospital Lund
Classification: Likely pathogenic for Piebaldism. Last evaluated: 2026-05-08. Review status: criteria provided, single submitter. Criteria: ACMG Guidelines, 2015. Collection method: clinical testing. Allele origin: germline. Affected: yes.
Comment: PVS1, PM2

NM_000222.3(KIT):c.1312del (p.Thr437_Ile438insTer)

Gene: KIT (KIT proto-oncogene, receptor tyrosine kinase; plus strand). Cytogenetic location: 4q12.
Variant type: Deletion.
Coding change: c.1312del on transcript NM_000222.3 (MANE Select); coding-DNA position 1312, one base deleted (A; older notation c.1312delA).
Protein change: p.Thr437_Ile438insTer.
Molecular consequence: nonsense.
Genome position (GRCh38, 1-based): chr4:54,723,664, A deleted; the last of 2 consecutive A bases (chr4:54,723,663-54,723,664); deleting either gives the same sequence. VCF-style (leftmost placement, unchanged base first): chr4-54723662-CA-C. GRCh37 (hg19) VCF-style: chr4-55589828-CA-C.
Other names: c.1312del, p.Thr437_Ile438insTer (NM_001093772.2, NM_001385285.1, NM_001385286.1); c.1315del, p.Thr438_Ile439insTer (NM_001385284.1, NM_001385288.1, NM_001385290.1 and 1 more transcripts).
Identifiers: ClinVar variation 4849958 (VCV004849958.1).